The following is an entry in ClinVar:

ClinVar aggregate classification (germline): Uncertain significance (1 of 4 stars; one submission).

Submission:

Labcorp Genetics (formerly Invitae), Labcorp
Classification: Uncertain significance. Last evaluated: 2022-11-15. Review status: criteria provided, single submitter. Criteria: Invitae Variant Classification Sherloc (09022015). Collection method: clinical testing. Allele origin: germline.
Comment: In summary, the available evidence is currently insufficient to determine the role of this variant in disease. Therefore, it has been classified as a Variant of Uncertain Significance. Algorithms developed to predict the effect of sequence changes on RNA splicing suggest that this variant may disrupt the consensus splice site. Algorithms developed to predict the effect of missense changes on protein structure and function are either unavailable or do not agree on the potential impact of this missense change (SIFT: "Not Available"; PolyPhen-2: "Benign"; Align-GVGD: "Not Available"). This variant has not been reported in the literature in individuals affected with RGS6-related conditions. This variant is not present in population databases (gnomAD no frequency). This sequence change replaces aspartic acid, which is acidic and polar, with glycine, which is neutral and non-polar, at codon 379 of the RGS6 protein (p.Asp379Gly).

NM_001204424.2(RGS6):c.1136A>G (p.Asp379Gly)

Gene: RGS6 (regulator of G protein signaling 6; plus strand). Cytogenetic location: 14q24.2.
Variant type: single nucleotide variant.
Coding change: c.1136A>G on transcript NM_001204424.2 (MANE Select); coding-DNA position 1136, A replaced by G.
Protein change: p.Asp379Gly; replaces aspartic acid 379 with glycine.
Molecular consequence: missense variant. On other transcripts: non-coding transcript variant (1).
Genome position (GRCh38, 1-based): chr14:72,518,395, A>G. VCF-style: chr14-72518395-A-G. GRCh37 (hg19) VCF-style: chr14-72985103-A-G.
Other names: c.1136A>G, p.Asp379Gly (NM_001204416.3, NM_001204417.3, NM_001204418.3 and 18 more transcripts); c.1025A>G, p.Asp342Gly (NM_001204419.3, NM_001204420.3, NM_001204421.3 and 4 more transcripts); c.1031A>G, p.Asp344Gly (NM_001204423.2); c.926A>G, p.Asp309Gly (NM_001370286.1); c.899A>G, p.Asp300Gly (NM_001370294.1); c.1127A>G, p.Asp376Gly (NM_001370279.1); c.1010A>G, p.Asp337Gly (NM_001370280.1); short protein forms D342G, D376G, D337G, D379G, D300G, D309G, D344G.
Identifiers: ClinVar variation 2074676 (VCV002074676.4), dbSNP rs2547400564, ClinGen allele CA390296205.